The following is an entry in ClinVar:

NM_000702.4(ATP1A2):c.2883G>T (p.Leu961Phe)

Gene: ATP1A2 (ATPase Na+/K+ transporting subunit alpha 2; plus strand). Cytogenetic location: 1q23.2.
Variant type: single nucleotide variant.
Coding change: c.2883G>T on transcript NM_000702.4 (MANE Select); coding-DNA position 2883, G replaced by T.
Protein change: p.Leu961Phe; replaces leucine 961 with phenylalanine.
Molecular consequence: missense variant.
Genome position (GRCh38, 1-based): chr1:160,139,682, G>T. VCF-style: chr1-160139682-G-T. GRCh37 (hg19) VCF-style: chr1-160109472-G-T.
Other names: short protein forms L961F.
Identifiers: ClinVar variation 4845300 (VCV004845300.1).

ClinVar aggregate classification (germline): Uncertain significance (1 of 4 stars; one submission).

Conditions:
Paroxysmal central nervous system disorders.

Submission:

Genetics Laboratory, Great Ormond Street Hospital NHS Foundation Trust, North Thames Genomic Laboratory Hub
Classification: Uncertain significance for Paroxysmal central nervous system disorders. Last evaluated: 2026-02-26. Review status: criteria provided, single submitter. Criteria: ACGS Best Practice Guidelines for Variant Classification in Rare Disease 2024 v1.2. Collection method: clinical testing. Allele origin: germline. Affected: yes.
Comment: PM2_moderate, PP3_supporting, PP2_supporting